The following is an entry in ClinVar:

ClinVar aggregate classification (germline): Uncertain significance (1 of 4 stars; one submission).

Submission:

Labcorp Genetics (formerly Invitae), Labcorp
Classification: Uncertain significance. Last evaluated: 2021-07-16. Review status: criteria provided, single submitter. Criteria: Invitae Variant Classification Sherloc (09022015). Collection method: clinical testing. Allele origin: germline.
Comment: In summary, the available evidence is currently insufficient to determine the role of this variant in disease. Therefore, it has been classified as a Variant of Uncertain Significance. Algorithms developed to predict the effect of missense changes on protein structure and function (SIFT, PolyPhen-2, Align-GVGD) all suggest that this variant is likely to be tolerated. This variant has not been reported in the literature in individuals affected with MPLKIP-related conditions. This variant is not present in population databases (ExAC no frequency). This sequence change replaces glycine with serine at codon 151 of the MPLKIP protein (p.Gly151Ser). The glycine residue is highly conserved and there is a small physicochemical difference between glycine and serine.

NM_138701.4(MPLKIP):c.451G>A (p.Gly151Ser)

Gene: MPLKIP (M-phase specific PLK1 interacting protein; minus strand). Cytogenetic location: 7p14.1.
Variant type: single nucleotide variant.
Coding change: c.451G>A on transcript NM_138701.4 (MANE Select); coding-DNA position 451, G replaced by A.
Protein change: p.Gly151Ser; replaces glycine 151 with serine.
Molecular consequence: missense variant.
Genome position (GRCh38, 1-based): chr7:40,133,148, C>T on the plus strand (G>A on the coding strand, the complement: MPLKIP is on the minus strand). VCF-style: chr7-40133148-C-T. GRCh37 (hg19) VCF-style: chr7-40172747-C-T.
Other names: short protein forms G151S.
Identifiers: ClinVar variation 1467406 (VCV001467406.8), dbSNP rs2150560037, ClinGen allele CA367307650.